The following is an entry in ClinVar:

ClinVar aggregate classification (germline): Uncertain significance (1 of 4 stars; one submission).

Conditions:
Breast-ovarian cancer, familial, susceptibility to, 4. Identifiers: Orphanet 145, MedGen C3280345, MONDO:0013669, OMIM 614291.

Submission:

Labcorp Genetics (formerly Invitae), Labcorp
Classification: Uncertain significance for Breast-ovarian cancer, familial, susceptibility to, 4. Last evaluated: 2023-06-23. Review status: criteria provided, single submitter. Criteria: Invitae Variant Classification Sherloc (09022015). Collection method: clinical testing. Allele origin: germline.
Comment: In summary, the available evidence is currently insufficient to determine the role of this variant in disease. Therefore, it has been classified as a Variant of Uncertain Significance. Algorithms developed to predict the effect of sequence changes on RNA splicing suggest that this variant may disrupt the consensus splice site. This variant has not been reported in the literature in individuals affected with RAD51D-related conditions. This variant is not present in population databases (gnomAD no frequency). This sequence change affects codon 161 of the RAD51D mRNA. It is a 'silent' change, meaning that it does not change the encoded amino acid sequence of the RAD51D protein.

NM_002878.4(RAD51D):c.483A>C (p.Ala161=)

Genes: RAD51L3-RFFL (RAD51L3-RFFL readthrough; minus strand), RAD51D (RAD51 paralog D; minus strand). Cytogenetic location: 17q12.
Variant type: single nucleotide variant.
Coding change: c.483A>C on transcript NM_002878.4 (MANE Select); coding-DNA position 483, A replaced by C.
Protein change: p.Ala161=; no amino-acid change (alanine 161 retained).
Molecular consequence: synonymous variant. On other transcripts: non-coding transcript variant (3).
Genome position (GRCh38, 1-based): chr17:35,106,479, T>G on the plus strand (A>C on the coding strand, the complement: RAD51D is on the minus strand). VCF-style: chr17-35106479-T-G. GRCh37 (hg19) VCF-style: chr17-33433498-T-G.
Other names: c.543A>C, p.Ala181= (NM_001142571.2); c.147A>C, p.Ala49= (NM_133629.3).
Identifiers: ClinVar variation 2895947 (VCV002895947.3), dbSNP rs2142429725, ClinGen allele CA499731621.